The following is an entry in ClinVar:

ClinVar aggregate classification (germline): Uncertain significance. Review status: criteria provided, multiple submitters, no conflicts (2 of 4 stars). 2 submissions from 2 submitters: Uncertain significance (2). Last evaluated 2017-01-31.

Conditions:
Dilated cardiomyopathy 1G (CMD1G). Identifiers: Orphanet 154, MedGen C1858763, MONDO:0011400, OMIM 604145.
Autosomal recessive limb-girdle muscular dystrophy type 2J (LGMDR10). Also called: Limb-girdle muscular dystrophy, type 2J; MUSCULAR DYSTROPHY, LIMB-GIRDLE, AUTOSOMAL RECESSIVE 10. Identifiers: Orphanet 140922, MedGen C1837342, MONDO:0012127, OMIM 608807.

Allele frequency attached by ClinVar (database versions not stated): TOPMed below 0.00001; ExAC 0.00001; gnomAD 0.00001; gnomAD exomes 0.00001.
gnomAD v4.1: 16 of 1,609,646 alleles (0.00099%); highest among the groups gnomAD compares: Non-Finnish European, 0.0014%; no homozygotes.

Submissions (2):

Labcorp Genetics (formerly Invitae), Labcorp
Classification: Uncertain significance for Dilated cardiomyopathy 1G; Autosomal recessive limb-girdle muscular dystrophy type 2J. Last evaluated: 2017-01-31. Review status: criteria provided, single submitter. Criteria: Invitae Variant Classification Sherloc (09022015). Collection method: clinical testing. Allele origin: germline.

Laboratory for Molecular Medicine, Mass General Brigham Personalized Medicine
Classification: Uncertain significance. Last evaluated: 2014-09-10. Review status: criteria provided, single submitter. Criteria: LMM Criteria. Collection method: clinical testing. Allele origin: germline. Observed: 1 variant allele.
Comment: The Ile23625Leu variant in TTN has not been previously reported in individuals w ith cardiomyopathy or in large population studies. Computational prediction tool s and conservation analysis do not provide strong support for or against an impa ct to the protein. In summary, the clinical significance of the Ile23625Leu vari ant is uncertain.

NM_001267550.2(TTN):c.78577A>C (p.Ile26193Leu)

Genes: TTN-AS1 (TTN antisense RNA 1; plus strand), TTN (titin; minus strand). Cytogenetic location: 2q31.2.
Variant type: single nucleotide variant.
Coding change: c.78577A>C on transcript NM_001267550.2 (MANE Select); coding-DNA position 78577, A replaced by C.
Protein change: p.Ile26193Leu; replaces isoleucine 26193 with leucine.
Molecular consequence: missense variant.
Genome position (GRCh38, 1-based): chr2:178,567,555, T>G on the plus strand (A>C on the coding strand, the complement: TTN is on the minus strand). VCF-style: chr2-178567555-T-G. GRCh37 (hg19) VCF-style: chr2-179432282-T-G.
Other names: c.73654A>C, p.Ile24552Leu (NM_001256850.1); c.51382A>C, p.Ile17128Leu (NM_003319.4); c.51757A>C, p.Ile17253Leu (NM_133432.3); c.51958A>C, p.Ile17320Leu (NM_133437.4); c.70873A>C, p.Ile23625Leu (NM_133378.4); short protein forms I23625L, I26193L, I17253L, I24552L, I17128L, I17320L.
Identifiers: ClinVar variation 179954 (VCV000179954.7), dbSNP rs727505241, ClinGen allele CA185502.